The following is an entry in ClinVar:

ClinVar aggregate classification (germline): Uncertain significance (1 of 4 stars; one submission).

Conditions:
Pontocerebellar hypoplasia type 9. Identifiers: Orphanet 369920, MedGen C4014354, MONDO:0014351, OMIM 615809.
Hereditary spastic paraplegia 63. Also called: Spastic paraplegia 63, autosomal recessive. Identifiers: Orphanet 401805, MedGen C3810295, MONDO:0014305, OMIM 615686.

Allele frequency attached by ClinVar (database versions not stated): gnomAD exomes below 0.00001 and 0.00001; ExAC 0.00001; gnomAD 0.00001; TOPMed 0.00002.
gnomAD v4.1: 4 of 1,614,044 alleles (0.00025%); highest among the groups gnomAD compares: Admixed American, 0.0017%; no homozygotes.

Submission:

Labcorp Genetics (formerly Invitae), Labcorp
Classification: Uncertain significance for Pontocerebellar hypoplasia type 9; Hereditary spastic paraplegia 63. Last evaluated: 2019-08-15. Review status: criteria provided, single submitter. Criteria: Invitae Variant Classification Sherloc (09022015). Collection method: clinical testing. Allele origin: germline.
Comment: In summary, the available evidence is currently insufficient to determine the role of this variant in disease. Therefore, it has been classified as a Variant of Uncertain Significance. This sequence change replaces glutamic acid with aspartic acid at codon 150 of the AMPD2 protein (p.Glu150Asp). The glutamic acid residue is moderately conserved and there is a small physicochemical difference between glutamic acid and aspartic acid. This variant is present in population databases (rs745350160, ExAC 0.002%). This variant has not been reported in the literature in individuals with AMPD2-related conditions. Algorithms developed to predict the effect of missense changes on protein structure and function (SIFT, PolyPhen-2, Align-GVGD) all suggest that this variant is likely to be tolerated, but these predictions have not been confirmed by published functional studies and their clinical significance is uncertain.

NM_001368809.2(AMPD2):c.288G>C (p.Glu96Asp)

Gene: AMPD2 (adenosine monophosphate deaminase 2; plus strand). Cytogenetic location: 1p13.3.
Variant type: single nucleotide variant.
Coding change: c.288G>C on transcript NM_001368809.2 (MANE Select); coding-DNA position 288, G replaced by C.
Protein change: p.Glu96Asp; replaces glutamic acid 96 with aspartic acid.
Molecular consequence: missense variant.
Genome position (GRCh38, 1-based): chr1:109,625,727, G>C. VCF-style: chr1-109625727-G-C. GRCh37 (hg19) VCF-style: chr1-110168349-G-C.
Other names: c.450G>C (NM_001257360.1); c.96G>C, p.Glu32Asp (NM_001257361.2); c.225G>C, p.Glu75Asp (NM_001308170.1); c.288G>C, p.Glu96Asp (NM_004037.9); c.207G>C, p.Glu69Asp (NM_139156.4); short protein forms E75D, E96D, E69D, E32D.
Identifiers: ClinVar variation 951532 (VCV000951532.9), dbSNP rs745350160, ClinGen allele CA992749.